The following is an entry in ClinVar:

NM_014679.5(CEP57):c.1495G>A (p.Asp499Asn)

Gene: CEP57 (centrosomal protein 57; plus strand). Cytogenetic location: 11q21.
Variant type: single nucleotide variant.
Coding change: c.1495G>A on transcript NM_014679.5 (MANE Select); coding-DNA position 1495, G replaced by A.
Protein change: p.Asp499Asn; replaces aspartic acid 499 with asparagine.
Molecular consequence: missense variant.
Genome position (GRCh38, 1-based): chr11:95,831,248, G>A. VCF-style: chr11-95831248-G-A. GRCh37 (hg19) VCF-style: chr11-95564412-G-A.
Other names: c.1468G>A, p.Asp490Asn (NM_001243776.2); c.1417G>A, p.Asp473Asn (NM_001243777.2); c.1414G>A, p.Asp472Asn (NM_001363604.2, NM_001440869.1, NM_001440870.1); c.1198G>A, p.Asp400Asn (NM_001440881.1); c.1192G>A, p.Asp398Asn (NM_001440882.1); c.1387G>A, p.Asp463Asn (NM_001440871.1); c.1378G>A, p.Asp460Asn (NM_001440872.1); c.1315G>A, p.Asp439Asn (NM_001440873.1); and 6 more; short protein forms D433N, D434N, D439N, D400N, D437N, D463N, D473N, D424N.
Identifiers: ClinVar variation 4226412 (VCV004226412.1).

ClinVar aggregate classification (germline): Uncertain significance (1 of 4 stars; one submission).

Conditions:
Inborn genetic diseases. Identifiers: MedGen C0950123, MeSH D030342.

Submission:

Ambry Genetics
Classification: Uncertain significance for Inborn genetic diseases. Last evaluated: 2025-09-14. Review status: criteria provided, single submitter. Criteria: Ambry Variant Classification Scheme 2023. Collection method: clinical testing. Allele origin: germline.
Comment: The p.D499N variant (also known as c.1495G>A), located in coding exon 11 of the CEP57 gene, results from a G to A substitution at nucleotide position 1495. The aspartic acid at codon 499 is replaced by asparagine, an amino acid with highly similar properties. This amino acid position is conserved. In addition, this alteration is predicted to be tolerated by in silico analysis. Based on the available evidence, the clinical significance of this variant remains unclear.